The following is an entry in ClinVar:

NM_004656.4(BAP1):c.875C>T (p.Ser292Phe)

Gene: BAP1 (BRCA1 associated deubiquitinase 1; minus strand). Cytogenetic location: 3p21.1.
Variant type: single nucleotide variant.
Coding change: c.875C>T on transcript NM_004656.4 (MANE Select); coding-DNA position 875, C replaced by T.
Protein change: p.Ser292Phe; replaces serine 292 with phenylalanine.
Molecular consequence: missense variant.
Genome position (GRCh38, 1-based): chr3:52,405,821, G>A on the plus strand (C>T on the coding strand, the complement: BAP1 is on the minus strand). VCF-style: chr3-52405821-G-A. GRCh37 (hg19) VCF-style: chr3-52439837-G-A.
Other names: c.821C>T, p.Ser274Phe (NM_001410772.1); short protein forms S274F, S292F.
Identifiers: ClinVar variation 3727546 (VCV003727546.3).

ClinVar aggregate classification (germline): Conflicting classifications of pathogenicity. Review status: criteria provided, conflicting classifications (1 of 4 stars). 2 submissions from 2 submitters: Uncertain significance (1); Benign (1). Last evaluated 2026-02-25.

Conditions:
Hereditary cancer-predisposing syndrome. Also called: Hereditary Cancer Syndrome; Neoplastic Syndromes, Hereditary; Tumor predisposition; Hereditary neoplastic syndrome. Identifiers: Orphanet 140162, MedGen C0027672, MeSH D009386, MONDO:0015356.
BAP1-related tumor predisposition syndrome (TPDS1). Also called: Tumor susceptibility linked to germline BAP1 mutations; COMMON Syndrome; TUMOR PREDISPOSITION SYNDROME 1; BAP1 tumor predisposition syndrome. Identifiers: Orphanet 289539, MedGen C3280492, MONDO:0013692, OMIM 614327.

Submissions (2):

Ambry Genetics
Classification: Benign for Hereditary cancer-predisposing syndrome. Last evaluated: 2026-02-25. Review status: criteria provided, single submitter. Criteria: Ambry Variant Classification Scheme 2023. Collection method: clinical testing. Allele origin: germline.

Labcorp Genetics (formerly Invitae), Labcorp
Classification: Uncertain significance for BAP1-related tumor predisposition syndrome. Last evaluated: 2024-09-18. Review status: criteria provided, single submitter. Criteria: Invitae Variant Classification Sherloc (09022015). Collection method: clinical testing. Allele origin: germline.
Comment: This sequence change replaces serine, which is neutral and polar, with phenylalanine, which is neutral and non-polar, at codon 292 of the BAP1 protein (p.Ser292Phe). This variant is not present in population databases (gnomAD no frequency). This variant has not been reported in the literature in individuals affected with BAP1-related conditions. Invitae Evidence Modeling of protein sequence and biophysical properties (such as structural, functional, and spatial information, amino acid conservation, physicochemical variation, residue mobility, and thermodynamic stability) indicates that this missense variant is not expected to disrupt BAP1 protein function with a negative predictive value of 80%. In summary, the available evidence is currently insufficient to determine the role of this variant in disease. Therefore, it has been classified as a Variant of Uncertain Significance.